The following is an entry in ClinVar:

NM_003098.3(SNTA1):c.1121dup (p.His374fs)

Gene: SNTA1 (syntrophin alpha 1; minus strand). Cytogenetic location: 20q11.21.
Variant type: Duplication.
Coding change: c.1121dup on transcript NM_003098.3 (MANE Select); coding-DNA position 1121, one base duplicated (A; older notation c.1121dupA).
Protein change: p.His374fs; shifts the reading frame from histidine 374.
Molecular consequence: frameshift variant.
Genome position (GRCh38, 1-based): chr20:33,410,251, T duplicated on the plus strand (A on the coding strand, the reverse complement: SNTA1 is on the minus strand). VCF-style (leftmost placement, unchanged base first): chr20-33410250-G-GT. GRCh37 (hg19) VCF-style: chr20-31998056-G-GT.
Other names: c.1121dup, p.His374fs (NM_001424413.1, NM_001424414.1); short protein forms H374fs.
Identifiers: ClinVar variation 4754202 (VCV004754202.1).

ClinVar aggregate classification (germline): Uncertain significance (1 of 4 stars; one submission).

Conditions:
Long QT syndrome (LQTS). Identifiers: MedGen C0023976, MeSH D008133, MONDO:0002442. Disease mechanism: loss of function. Inheritance: Various modes of inheritance.

Submission:

Labcorp Genetics (formerly Invitae), Labcorp
Classification: Uncertain significance for Long QT syndrome. Last evaluated: 2026-01-31. Review status: criteria provided, single submitter. Criteria: Invitae Variant Classification Sherloc (09022015). Collection method: clinical testing. Allele origin: germline.
Comment: This sequence change creates a premature translational stop signal (p.His374Glnfs*64) in the SNTA1 gene. It is expected to result in an absent or disrupted protein product. However, the current clinical and genetic evidence is not sufficient to establish whether loss-of-function variants in SNTA1 cause disease. This variant is not present in population databases (gnomAD no frequency). This variant has not been reported in the literature in individuals affected with SNTA1-related conditions. In summary, the available evidence is currently insufficient to determine the role of this variant in disease. Therefore, it has been classified as a Variant of Uncertain Significance.